The following is an entry in ClinVar:

ClinVar aggregate classification (germline): Likely pathogenic. Review status: criteria provided, multiple submitters, no conflicts (2 of 4 stars). 2 submissions from 2 submitters: Likely pathogenic (2). Last evaluated 2023-09-03.

Conditions:
Werner syndrome (WRN). Identifiers: Orphanet 902, MedGen C0043119, MONDO:0010196, OMIM 277700.

Submissions (2):

Baylor Genetics
Classification: Likely pathogenic for Werner syndrome. Last evaluated: 2023-09-03. Review status: criteria provided, single submitter. Criteria: ACMG Guidelines, 2015. Collection method: clinical testing. Allele origin: unknown.

Labcorp Genetics (formerly Invitae), Labcorp
Classification: Likely pathogenic for Werner syndrome. Last evaluated: 2022-04-08. Review status: criteria provided, single submitter. Criteria: Invitae Variant Classification Sherloc (09022015). Collection method: clinical testing. Allele origin: germline.
Comment: In summary, the currently available evidence indicates that the variant is pathogenic, but additional data are needed to prove that conclusively. Therefore, this variant has been classified as Likely Pathogenic. Algorithms developed to predict the effect of sequence changes on RNA splicing suggest that this variant may disrupt the consensus splice site. This variant has not been reported in the literature in individuals affected with WRN-related conditions. This variant is not present in population databases (gnomAD no frequency). This sequence change affects an acceptor splice site in intron 14 of the WRN gene. It is expected to disrupt RNA splicing. Variants that disrupt the donor or acceptor splice site typically lead to a loss of protein function (PMID: 16199547), and loss-of-function variants in WRN are known to be pathogenic (PMID: 16673358).

Literature cited by the submitters: PubMed 16199547 (cited by Labcorp Genetics (formerly Invitae), Labcorp); PubMed 16673358 (cited by Labcorp Genetics (formerly Invitae), Labcorp).

NM_000553.6(WRN):c.1721-1G>A

Gene: WRN (WRN RecQ like helicase; plus strand). Cytogenetic location: 8p12.
Variant type: single nucleotide variant.
Coding change: c.1721-1G>A on transcript NM_000553.6 (MANE Select); the canonical splice acceptor site of the intron before coding-DNA position 1721, G replaced by A.
Molecular consequence: splice acceptor variant.
Genome position (GRCh38, 1-based): chr8:31,090,833, G>A. VCF-style: chr8-31090833-G-A. GRCh37 (hg19) VCF-style: chr8-30948349-G-A.
Identifiers: ClinVar variation 2123235 (VCV002123235.5), dbSNP rs2535931386, ClinGen allele CA370927310.